The following is an entry in ClinVar:

ClinVar aggregate classification (germline): Benign (0 of 4 stars; one submission).

Conditions:
LRIG1-related disorder. Also called: LRIG1-related condition.

Allele frequency attached by ClinVar (database versions not stated): ESP Exome Variant Server 0.00046; gnomAD 0.00048; 1000 Genomes Project 0.00200; 1000 Genomes Project 30x 0.00265.
gnomAD v4.1: 667 of 1,614,226 alleles (0.041%); highest among the groups gnomAD compares: Admixed American, 0.77%; 6 homozygotes.

Submissions (2):

PreventionGenetics, part of Exact Sciences
Classification: Benign for LRIG1-related condition. Last evaluated: 2019-11-11. Review status: no assertion criteria provided. Collection method: clinical testing. Allele origin: germline.
Comment: This variant is classified as benign based on ACMG/AMP sequence variant interpretation guidelines (Richards et al. 2015 PMID: 25741868, with internal and published modifications).

Dr. Peter K. Rogan Lab, Western University
No classification provided (evidence only). Condition: Gastric cancer. Review status: no classification provided. Collection method: in vitro. Allele origin: not applicable. Functional consequence: retained intron. Not counted in ClinVar's aggregate classification.

NM_015541.3(LRIG1):c.2997C>G (p.Asn999Lys)

Gene: LRIG1 (leucine rich repeats and immunoglobulin like domains 1; minus strand). Cytogenetic location: 3p14.1.
Variant type: single nucleotide variant.
Coding change: c.2997C>G on transcript NM_015541.3 (MANE Select); coding-DNA position 2997, C replaced by G.
Protein change: p.Asn999Lys; replaces asparagine 999 with lysine.
Molecular consequence: missense variant.
Genome position (GRCh38, 1-based): chr3:66,380,635, G>C on the plus strand (C>G on the coding strand, the complement: LRIG1 is on the minus strand). VCF-style: chr3-66380635-G-C. GRCh37 (hg19) VCF-style: chr3-66431059-G-C.
Other names: NC_000003.11:g.66431059G>C; c.2922C>G, p.Asn974Lys (NM_001377344.1); c.2217C>G, p.Asn739Lys (NM_001377345.1, NM_001377346.1); c.1995C>G, p.Asn665Lys (NM_001377347.1); c.1968C>G, p.Asn656Lys (NM_001377348.1); c.1713C>G, p.Asn571Lys (NM_001377349.1); short protein forms N571K, N656K, N665K, N739K, N974K, N999K.
Identifiers: ClinVar variation 3045833 (VCV003045833.3), dbSNP rs140051529, ClinGen allele CA2484080.